The following is an entry in ClinVar:

ClinVar aggregate classification (germline): Uncertain significance. Review status: criteria provided, multiple submitters, no conflicts (2 of 4 stars). 2 submissions from 2 submitters: Uncertain significance (2). Last evaluated 2025-06-03.

Conditions:
Inborn genetic diseases. Identifiers: MedGen C0950123, MeSH D030342.

Allele frequency attached by ClinVar (database versions not stated): gnomAD exomes 0.00001; gnomAD 0.00001; TOPMed 0.00001.
gnomAD v4.1: 12 of 1,614,000 alleles (0.00074%); highest among the groups gnomAD compares: African/African-American, 0.008%; no homozygotes.

Submissions (2):

Labcorp Genetics (formerly Invitae), Labcorp
Classification: Uncertain significance. Last evaluated: 2025-06-03. Review status: criteria provided, single submitter. Criteria: Invitae Variant Classification Sherloc (09022015). Collection method: clinical testing. Allele origin: germline.
Comment: This sequence change replaces alanine, which is neutral and non-polar, with valine, which is neutral and non-polar, at codon 1709 of the NALCN protein (p.Ala1709Val). This variant is present in population databases (rs373221131, gnomAD 0.008%). This variant has not been reported in the literature in individuals affected with NALCN-related conditions. ClinVar contains an entry for this variant (Variation ID: 2227836). Invitae Evidence Modeling of protein sequence and biophysical properties (such as structural, functional, and spatial information, amino acid conservation, physicochemical variation, residue mobility, and thermodynamic stability) indicates that this missense variant is not expected to disrupt NALCN protein function with a negative predictive value of 80%. In summary, the available evidence is currently insufficient to determine the role of this variant in disease. Therefore, it has been classified as a Variant of Uncertain Significance.

Ambry Genetics
Classification: Uncertain significance for Inborn genetic diseases. Last evaluated: 2020-10-14. Review status: criteria provided, single submitter. Criteria: Ambry Variant Classification Scheme 2023. Collection method: clinical testing. Allele origin: germline.
Comment: The c.5126C>T (p.A1709V) alteration is located in exon 44 (coding exon 43) of the NALCN gene. This alteration results from a C to T substitution at nucleotide position 5126, causing the alanine (A) at amino acid position 1709 to be replaced by a valine (V). Based on data from the Genome Aggregation Database (gnomAD) database, the NALCN c.5126C>T alteration was observed in 0.0007% (2/282822) of total alleles studied, with a frequency of 0.008% (2/24964) in the African subpopulation. This amino acid position is poorly conserved in available vertebrate species. The p.A1709V alteration is predicted to be tolerated by in silico analysis. Based on insufficient or conflicting evidence, the clinical significance of this alteration remains unclear.

NM_052867.4(NALCN):c.5126C>T (p.Ala1709Val)

Genes: NALCN (sodium leak channel, non-selective; minus strand), NALCN-AS1 (NALCN antisense RNA 1; plus strand). Cytogenetic location: 13q32.3.
Variant type: single nucleotide variant.
Coding change: c.5126C>T on transcript NM_052867.4 (MANE Select); coding-DNA position 5126, C replaced by T.
Protein change: p.Ala1709Val; replaces alanine 1709 with valine.
Molecular consequence: missense variant. On other transcripts: non-coding transcript variant (1).
Genome position (GRCh38, 1-based): chr13:101,055,386, G>A on the plus strand (C>T on the coding strand, the complement: NALCN is on the minus strand). VCF-style: chr13-101055386-G-A. GRCh37 (hg19) VCF-style: chr13-101707738-G-A.
Other names: c.5213C>T, p.Ala1738Val (NM_001350748.2); c.5126C>T, p.Ala1709Val (NM_001350749.2); c.5039C>T, p.Ala1680Val (NM_001350750.2, NM_001350751.2); short protein forms A1680V, A1738V, A1709V.
Identifiers: ClinVar variation 2227836 (VCV002227836.4), dbSNP rs373221131, ClinGen allele CA255390310.
Genomic context (GRCh38, chr13:101,055,386, plus strand): 5'-TCGCTCTCCACAGTCAGCTGCCGGGTCCACCACTTCTTAACTTCAGAACCGCAGGAAGCC[G>A]CGTCAGTCATGGGGTTCATTTTGCACACGACAGATTTCATGGTTGTCCTTCCTCCAAACC-3'
Protein context (NP_443099.1, residues 1699-1719): VVCKMNPMTD[Ala1709Val]ASCGSEVKKW